The following is an entry in ClinVar:

NM_025000.4(DCAF17):c.325G>A (p.Asp109Asn)

Gene: DCAF17 (DDB1 and CUL4 associated factor 17; plus strand). Cytogenetic location: 2q31.1.
Variant type: single nucleotide variant.
Coding change: c.325G>A on transcript NM_025000.4 (MANE Select); coding-DNA position 325, G replaced by A.
Protein change: p.Asp109Asn; replaces aspartic acid 109 with asparagine.
Molecular consequence: missense variant. On other transcripts: non-coding transcript variant (1).
Genome position (GRCh38, 1-based): chr2:171,448,684, G>A. VCF-style: chr2-171448684-G-A. GRCh37 (hg19) VCF-style: chr2-172305194-G-A.
Other names: c.325G>A, p.Asp109Asn (NM_001164821.2); c.325G>A (NM_025000.3); short protein forms D109N.
Identifiers: ClinVar variation 1390273 (VCV001390273.7), dbSNP rs373997425, ClinGen allele CA1964640.

ClinVar aggregate classification (germline): Uncertain significance. Review status: criteria provided, multiple submitters, no conflicts (2 of 4 stars). 2 submissions from 2 submitters: Uncertain significance (2). Last evaluated 2024-06-12.

Conditions:
Woodhouse-Sakati syndrome. Also called: EXTRAPYRAMIDAL DISORDER, PROGRESSIVE, WITH PRIMARY HYPOGONADISM, MENTAL RETARDATION, AND ALOPECIA; Hypogonadism, Alopecia, Diabetes Mellitus, Mental Retardation, and Extrapyramidal Syndrome; Hypogonadism, diabetes mellitus, alopecia, mental retardation and electrocardiographic abnormalities. Identifiers: Orphanet 3464, MedGen C0342286, MONDO:0009419, OMIM 241080.
Inborn genetic diseases. Identifiers: MedGen C0950123, MeSH D030342.

Allele frequency attached by ClinVar (database versions not stated): gnomAD exomes 0.00005; ExAC 0.00006; ESP Exome Variant Server 0.00026; gnomAD 0.00027 and 0.00030; TOPMed 0.00032.
gnomAD v4.1: 64 of 1,573,200 alleles (0.0041%); highest among the groups gnomAD compares: African/African-American, 0.08%; no homozygotes.

Submissions (2):

Labcorp Genetics (formerly Invitae), Labcorp
Classification: Uncertain significance for Woodhouse-Sakati syndrome. Last evaluated: 2024-06-12. Review status: criteria provided, single submitter. Criteria: Invitae Variant Classification Sherloc (09022015). Collection method: clinical testing. Allele origin: germline.
Comment: This sequence change replaces aspartic acid, which is acidic and polar, with asparagine, which is neutral and polar, at codon 109 of the DCAF17 protein (p.Asp109Asn). This variant is present in population databases (rs373997425, gnomAD 0.07%). This variant has not been reported in the literature in individuals affected with DCAF17-related conditions. ClinVar contains an entry for this variant (Variation ID: 1390273). Advanced modeling of protein sequence and biophysical properties (such as structural, functional, and spatial information, amino acid conservation, physicochemical variation, residue mobility, and thermodynamic stability) performed at Invitae indicates that this missense variant is not expected to disrupt DCAF17 protein function with a negative predictive value of 80%. In summary, the available evidence is currently insufficient to determine the role of this variant in disease. Therefore, it has been classified as a Variant of Uncertain Significance.

Ambry Genetics
Classification: Uncertain significance for Inborn genetic diseases. Last evaluated: 2021-10-22. Review status: criteria provided, single submitter. Criteria: Ambry Variant Classification Scheme 2023. Collection method: clinical testing. Allele origin: germline.